The following is an entry in ClinVar:

ClinVar aggregate classification (germline): Pathogenic (1 of 4 stars; one submission).

Submission:

Labcorp Genetics (formerly Invitae), Labcorp
Classification: Pathogenic. Last evaluated: 2023-03-28. Review status: criteria provided, single submitter. Criteria: Invitae Variant Classification Sherloc (09022015). Collection method: clinical testing. Allele origin: germline.
Comment: This sequence change creates a premature translational stop signal (p.Gly1131Alafs*18) in the ABCC2 gene. It is expected to result in an absent or disrupted protein product. Loss-of-function variants in ABCC2 are known to be pathogenic (PMID: 9185779, 16549534, 16952291). This variant is not present in population databases (gnomAD no frequency). This variant has not been reported in the literature in individuals affected with ABCC2-related conditions. For these reasons, this variant has been classified as Pathogenic.

Literature cited by the submitters: PubMed 9185779; PubMed 16549534; PubMed 16952291.

NM_000392.5(ABCC2):c.3390del (p.Gly1131fs)

Genes: ABCC2 (ATP binding cassette subfamily C member 2; plus strand), LOC126861013 (CDK7 strongly-dependent group 2 enhancer GRCh37_chr10:101593724-101594923; plus strand). Cytogenetic location: 10q24.2.
Variant type: Deletion.
Coding change: c.3390del on transcript NM_000392.5 (MANE Select); coding-DNA position 3390, one base deleted (T; older notation c.3390delT).
Protein change: p.Gly1131fs; shifts the reading frame from glycine 1131.
Molecular consequence: frameshift variant.
Genome position (GRCh38, 1-based): chr10:99,834,511, T deleted; the last of 2 consecutive T bases (chr10:99,834,510-99,834,511); deleting either gives the same sequence. VCF-style (leftmost placement, unchanged base first): chr10-99834509-CT-C. GRCh37 (hg19) VCF-style: chr10-101594266-CT-C.
Other names: short protein forms G1131fs.
Identifiers: ClinVar variation 2850474 (VCV002850474.3), dbSNP rs2493018899, ClinGen allele CA2739270980.